The following is an entry in ClinVar:

NM_014956.5(CEP164):c.3055C>T (p.Gln1019Ter)

Gene: CEP164 (centrosomal protein 164; plus strand). Cytogenetic location: 11q23.3.
Variant type: single nucleotide variant.
Coding change: c.3055C>T on transcript NM_014956.5 (MANE Select); coding-DNA position 3055, C replaced by T.
Protein change: p.Gln1019Ter; replaces glutamine 1019 with a stop codon.
Molecular consequence: nonsense.
Genome position (GRCh38, 1-based): chr11:117,395,688, C>T. VCF-style: chr11-117395688-C-T. GRCh37 (hg19) VCF-style: chr11-117266404-C-T.
Other names: c.3064C>T, p.Gln1022Ter (NM_001271933.2); c.3055C>T (NM_014956.4); short protein forms Q1019*, Q1022*.
Identifiers: ClinVar variation 1371663 (VCV001371663.10), dbSNP rs746453731, ClinGen allele CA6295311.
Genomic context (GRCh38, chr11:117,395,688, plus strand): 5'-GAAATTCTTGATGAGCTGCAGGCCCGCAAGCTGAAGCTGGAGTCCCAAGTGGATCTGCTG[C>T]AGGCTCAGAGCCAGCAACTGCAGAAACACTTCAGGTGGCGTGGGCACCCTGCACTTAGCC-3'

ClinVar aggregate classification (germline): Pathogenic/Likely pathogenic. Review status: criteria provided, multiple submitters, no conflicts (2 of 4 stars). 5 submissions from 5 submitters: Pathogenic (3); Likely pathogenic (2). Last evaluated 2025-07-23.

Conditions:
Nephronophthisis 15 (NPHP15). Identifiers: Orphanet 3156, MedGen C3541853, MONDO:0013917, OMIM 614845.
CEP164-related disorder. Also called: CEP164-related condition.

Allele frequency attached by ClinVar (database versions not stated): gnomAD 0.00003 and 0.00004; TOPMed 0.00003; ExAC 0.00001; gnomAD exomes 0.00001.
gnomAD v4.1: 27 of 1,612,770 alleles (0.0017%); highest among the groups gnomAD compares: East Asian, 0.0022%; no homozygotes.

Submissions (5):

PreventionGenetics, part of Exact Sciences
Classification: Likely pathogenic for CEP164-related condition. Last evaluated: 2025-07-23. Review status: criteria provided, single submitter. Criteria: ACMG Guidelines, 2015. Collection method: clinical testing. Allele origin: germline.
Comment: The CEP164 c.3055C>T variant is predicted to result in premature protein termination (p.Gln1019*). This variant has been reported in the compound heterozygous state in an individual with oral-facial-digital syndrome (Strong et al. 2021. PubMed ID: 34132027). This variant is reported in 0.0050% of alleles in individuals of East Asian descent in gnomAD. Nonsense variants in CEP164 are expected to be pathogenic. This variant is interpreted as likely pathogenic.

Labcorp Genetics (formerly Invitae), Labcorp
Classification: Pathogenic for Nephronophthisis 15. Last evaluated: 2025-04-15. Review status: criteria provided, single submitter. Criteria: Invitae Variant Classification Sherloc (09022015). Collection method: clinical testing. Allele origin: germline.
Comment: This sequence change creates a premature translational stop signal (p.Gln1019*) in the CEP164 gene. It is expected to result in an absent or disrupted protein product. Loss-of-function variants in CEP164 are known to be pathogenic (PMID: 22863007, 28125082, 32367404, 34132027, 34499853). This variant is present in population databases (rs746453731, gnomAD 0.005%). This variant has not been reported in the literature in individuals affected with CEP164-related conditions. ClinVar contains an entry for this variant (Variation ID: 1371663). For these reasons, this variant has been classified as Pathogenic.

Blueprint Genetics
Classification: Likely pathogenic for CEP164-related disorders. Last evaluated: 2024-10-07. Review status: criteria provided, single submitter. Criteria: ACMG Guidelines, 2015. Collection method: clinical testing. Allele origin: germline. Affected: yes. Observed: 5 variant alleles.

GeneDx
Classification: Pathogenic. Last evaluated: 2024-06-24. Review status: criteria provided, single submitter. Criteria: GeneDx Variant Classification Process June 2021. Collection method: clinical testing. Allele origin: germline.
Comment: Nonsense variant predicted to result in protein truncation or nonsense mediated decay in a gene for which loss-of-function is a known mechanism of disease; This variant is associated with the following publications: (PMID: 31964843, 34132027)

Women's Health and Genetics/Laboratory Corporation of America, LabCorp
Classification: Pathogenic for Nephronophthisis 15. Last evaluated: 2023-10-19. Review status: criteria provided, single submitter. Criteria: LabCorp Variant Classification Summary - May 2015. Collection method: clinical testing. Allele origin: germline.
Comment: Variant summary: CEP164 c.3055C>T (p.Gln1019X) results in a premature termination codon, predicted to cause a truncation of the encoded protein or absence of the protein due to nonsense mediated decay, which are commonly known mechanisms for disease. The variant allele was found at a frequency of 1.2e-05 in 250662 control chromosomes (gnomAD). c.3055C>T has been reported in the literature in an individual affected with ciliopathy-spectrum disease (e.g. Strong_2021). To our knowledge, no experimental evidence demonstrating an impact on protein function has been reported. The following publication has been ascertained in the context of this evaluation (PMID: 34132027). Two submitters have cited clinical-significance assessments for this variant to ClinVar after 2014. All submitters classified the variant as pathogenic. Based on the evidence outlined above, the variant was classified as pathogenic.

Literature cited by the submitters: PubMed 22863007 (cited by Labcorp Genetics (formerly Invitae), Labcorp); PubMed 28125082 (cited by Labcorp Genetics (formerly Invitae), Labcorp); PubMed 32367404 (cited by Labcorp Genetics (formerly Invitae), Labcorp); PubMed 34132027 (cited by Labcorp Genetics (formerly Invitae), Labcorp and Women's Health and Genetics/Laboratory Corporation of America, LabCorp); PubMed 34499853 (cited by Labcorp Genetics (formerly Invitae), Labcorp).